The following is an entry in ClinVar:

ClinVar aggregate classification (germline): Uncertain significance (1 of 4 stars; one submission).

Conditions:
Early-infantile DEE. Also called: Ohtahara syndrome; Early infantile epileptic encephalopathy with suppression bursts; Early infantile epileptic encephalopathy. Identifiers: Orphanet 1934, MedGen C0393706, MONDO:0800491.

Allele frequency attached by ClinVar (database versions not stated): TOPMed below 0.00001; gnomAD exomes 0.00001.
gnomAD v4.1: 8 of 1,611,720 alleles (0.0005%); highest among the groups gnomAD compares: Non-Finnish European, 0.00068%; no homozygotes.

Submission:

Labcorp Genetics (formerly Invitae), Labcorp
Classification: Uncertain significance for Early-infantile DEE. Last evaluated: 2024-01-08. Review status: criteria provided, single submitter. Criteria: Invitae Variant Classification Sherloc (09022015). Collection method: clinical testing. Allele origin: germline.
Comment: This sequence change replaces phenylalanine, which is neutral and non-polar, with leucine, which is neutral and non-polar, at codon 1189 of the SCN1A protein (p.Phe1189Leu). This variant is not present in population databases (gnomAD no frequency). This variant has not been reported in the literature in individuals affected with SCN1A-related conditions. ClinVar contains an entry for this variant (Variation ID: 1055427). Advanced modeling of protein sequence and biophysical properties (such as structural, functional, and spatial information, amino acid conservation, physicochemical variation, residue mobility, and thermodynamic stability) has been performed at Invitae for this missense variant, however the output from this modeling did not meet the statistical confidence thresholds required to predict the impact of this variant on SCN1A protein function. In summary, the available evidence is currently insufficient to determine the role of this variant in disease. Therefore, it has been classified as a Variant of Uncertain Significance.

NM_001165963.4(SCN1A):c.3565T>C (p.Phe1189Leu)

Genes: SCN1A (sodium voltage-gated channel alpha subunit 1; minus strand), LOC102724058 (uncharacterized LOC102724058; plus strand). Cytogenetic location: 2q24.3.
Variant type: single nucleotide variant.
Coding change: c.3565T>C on transcript NM_001165963.4 (MANE Select); coding-DNA position 3565, T replaced by C.
Protein change: p.Phe1189Leu; replaces phenylalanine 1189 with leucine.
Molecular consequence: missense variant. On other transcripts: non-coding transcript variant (1).
Genome position (GRCh38, 1-based): chr2:166,013,884, A>G on the plus strand (T>C on the coding strand, the complement: SCN1A is on the minus strand). VCF-style: chr2-166013884-A-G. GRCh37 (hg19) VCF-style: chr2-166870394-A-G.
Other names: c.3481T>C, p.Phe1161Leu (NM_001165964.3, NM_001353957.2, NM_001353958.2); c.3565T>C, p.Phe1189Leu (NM_001202435.3, NM_001353948.2); c.3532T>C, p.Phe1178Leu (NM_001353949.2, NM_001353950.2, NM_001353951.2 and 2 more transcripts); c.3529T>C, p.Phe1177Leu (NM_001353954.2, NM_001353955.2); c.3478T>C, p.Phe1160Leu (NM_001353960.2); c.1123T>C, p.Phe375Leu (NM_001353961.2); short protein forms F1160L, F1161L, F1177L, F1178L, F1189L, F375L.
Identifiers: ClinVar variation 1055427 (VCV001055427.10), dbSNP rs1692897012, ClinGen allele CA349056368.